The following is an entry in ClinVar:

NM_001329943.3(KIAA0586):c.194C>G (p.Ser65Ter)

Gene: KIAA0586 (KIAA0586; plus strand). Cytogenetic location: 14q23.1.
Variant type: single nucleotide variant.
Coding change: c.194C>G on transcript NM_001329943.3 (MANE Select); coding-DNA position 194, C replaced by G.
Protein change: p.Ser65Ter; replaces serine 65 with a stop codon.
Molecular consequence: nonsense. On other transcripts: intron variant (5).
Genome position (GRCh38, 1-based): chr14:58,428,458, C>G. VCF-style: chr14-58428458-C-G. GRCh37 (hg19) VCF-style: chr14-58895176-C-G.
Other names: c.230C>G, p.Ser77Ter (NM_001244189.2); c.149C>G, p.Ser50Ter (NM_001244190.2); c.194C>G, p.Ser65Ter (NM_001329944.2, NM_001329946.2, NM_001329947.2 and 1 more transcripts); c.-57+821C>G (NM_001244192.2, NM_001244191.2); c.-57+645C>G (NM_001364701.2, NM_001329945.2, NM_001364700.1); short protein forms S77*, S65*, S50*.
Identifiers: ClinVar variation 208812 (VCV000208812.3), dbSNP rs797045119, ClinGen allele CA214894.

ClinVar aggregate classification (germline): Pathogenic. Review status: criteria provided, single submitter (1 of 4 stars). 2 submissions from 2 submitters: Pathogenic (1). 1 of the submissions does not count toward it. Last evaluated 2024-07-08.

Conditions:
Joubert syndrome 23 (JBTS23). Identifiers: Orphanet 475, MedGen C4084822, MONDO:0014664, OMIM 616490.
Short-rib thoracic dysplasia 14 with polydactyly (SRTD14). Identifiers: Orphanet 397715, MedGen C4225286, MONDO:0014688, OMIM 616546.

Allele frequency attached by ClinVar (database versions not stated): TOPMed below 0.00001.

Submissions (2):

Labcorp Genetics (formerly Invitae), Labcorp
Classification: Pathogenic for Joubert syndrome 23; Short-rib thoracic dysplasia 14 with polydactyly. Last evaluated: 2024-07-08. Review status: criteria provided, single submitter. Criteria: Invitae Variant Classification Sherloc (09022015). Collection method: clinical testing. Allele origin: germline.
Comment: This sequence change creates a premature translational stop signal (p.Ser77*) in the KIAA0586 gene. It is expected to result in an absent or disrupted protein product. Loss-of-function variants in KIAA0586 are known to be pathogenic (PMID: 26096313, 26166481, 26386044). This variant is not present in population databases (gnomAD no frequency). This premature translational stop signal has been observed in individual(s) with short-rib polydactyly syndrome (PMID: 26166481). ClinVar contains an entry for this variant (Variation ID: 208812). For these reasons, this variant has been classified as Pathogenic.

OMIM
Classification: Pathogenic for SHORT-RIB THORACIC DYSPLASIA 14 WITH POLYDACTYLY. Last evaluated: 2015-08-06. Review status: no assertion criteria provided. Collection method: literature only. Allele origin: germline. Not counted in ClinVar's aggregate classification.

Literature cited by the submitters: PubMed 26096313 (cited by Labcorp Genetics (formerly Invitae), Labcorp); PubMed 26166481 (cited by Labcorp Genetics (formerly Invitae), Labcorp and OMIM); PubMed 26386044 (cited by Labcorp Genetics (formerly Invitae), Labcorp).